The following is an entry in ClinVar:

NM_016379.4(VCX3A):c.556G>A (p.Val186Met)

Genes: VCX3A (variable charge X-linked 3A; minus strand), LOC106029240 (S232-VCX3A recombination region; plus strand). Cytogenetic location: Xp22.31.
Variant type: single nucleotide variant.
Coding change: c.556G>A on transcript NM_016379.4 (MANE Select); coding-DNA position 556, G replaced by A.
Protein change: p.Val186Met; replaces valine 186 with methionine.
Molecular consequence: missense variant.
Genome position (GRCh38, 1-based): chrX:6,533,750, C>T on the plus strand (G>A on the coding strand, the complement: VCX3A is on the minus strand). VCF-style: chrX-6533750-C-T. GRCh37 (hg19) VCF-style: chrX-6451791-C-T.
Other names: short protein forms V186M.
Identifiers: ClinVar variation 3770511 (VCV003770511.13).

ClinVar aggregate classification (germline): Likely benign (1 of 4 stars; one submission).

Submission:

CeGaT Center for Human Genetics Tuebingen
Classification: Likely benign. Last evaluated: 2025-07-01. Review status: criteria provided, single submitter. Criteria: CeGaT Center For Human Genetics Tuebingen Variant Classification Criteria Version 2. Collection method: clinical testing. Allele origin: germline. Affected: yes. Observed: 2 variant alleles.
Comment: VCX3A: BP4